The following is an entry in ClinVar:

NM_000393.5(COL5A2):c.134G>A (p.Gly45Asp)

Gene: COL5A2 (collagen type V alpha 2 chain; minus strand). Cytogenetic location: 2q32.2.
Variant type: single nucleotide variant.
Coding change: c.134G>A on transcript NM_000393.5 (MANE Select); coding-DNA position 134, G replaced by A.
Protein change: p.Gly45Asp; replaces glycine 45 with aspartic acid.
Molecular consequence: missense variant.
Genome position (GRCh38, 1-based): chr2:189,110,413, C>T on the plus strand (G>A on the coding strand, the complement: COL5A2 is on the minus strand). VCF-style: chr2-189110413-C-T. GRCh37 (hg19) VCF-style: chr2-189975139-C-T.
Other names: short protein forms G45D.
Identifiers: ClinVar variation 1770571 (VCV001770571.3), dbSNP rs1333432776, ClinGen allele CA349868700.

ClinVar aggregate classification (germline): Uncertain significance. Review status: criteria provided, multiple submitters, no conflicts (2 of 4 stars). 2 submissions from 2 submitters: Uncertain significance (2). Last evaluated 2026-01-22.

Conditions:
Familial thoracic aortic aneurysm and aortic dissection (TAAD). Also called: Thoracic aortic aneurysms and dissections. Identifiers: Orphanet 91387, MedGen C4707243, MONDO:0019625.

Allele frequency attached by ClinVar (database versions not stated): gnomAD exomes below 0.00001; TOPMed 0.00001; gnomAD 0.00003.
gnomAD v4.1: 6 of 1,613,850 alleles (0.00037%); highest among the groups gnomAD compares: African/African-American, 0.008%; no homozygotes.

Submissions (2):

Women's Health and Genetics/Laboratory Corporation of America, LabCorp
Classification: Uncertain significance. Last evaluated: 2026-01-22. Review status: criteria provided, single submitter. Criteria: LabCorp Variant Classification Summary - May 2015. Collection method: clinical testing. Allele origin: germline.

Ambry Genetics
Classification: Uncertain significance for Familial thoracic aortic aneurysm and aortic dissection. Last evaluated: 2017-12-22. Review status: criteria provided, single submitter. Criteria: Ambry Variant Classification Scheme 2023. Collection method: clinical testing. Allele origin: germline.
Comment: The p.G45D variant (also known as c.134G>A), located in coding exon 2 of the COL5A2 gene, results from a G to A substitution at nucleotide position 134. The glycine at codon 45 is replaced by aspartic acid, an amino acid with similar properties. This amino acid position is highly conserved in available vertebrate species; however, aspartic acid is the reference amino acid in other vertebrate species. In addition, the in silico prediction for this alteration is inconclusive. Since supporting evidence is limited at this time, the clinical significance of this alteration remains unclear.